The following is an entry in ClinVar:

NM_004700.4(KCNQ4):c.315-9T>C

Gene: KCNQ4 (potassium voltage-gated channel subfamily Q member 4; plus strand). Cytogenetic location: 1p34.2.
Variant type: single nucleotide variant.
Coding change: c.315-9T>C on transcript NM_004700.4 (MANE Select); 9 bases into the intron before coding-DNA position 315, T replaced by C.
Molecular consequence: intron variant.
Genome position (GRCh38, 1-based): chr1:40,817,256, T>C. VCF-style: chr1-40817256-T-C. GRCh37 (hg19) VCF-style: chr1-41282928-T-C.
Other names: c.315-9T>C (NM_172163.3).
Identifiers: ClinVar variation 227468 (VCV000227468.5), dbSNP rs548061300, ClinGen allele CA794504.

ClinVar aggregate classification (germline): Likely benign. Review status: criteria provided, multiple submitters, no conflicts (2 of 4 stars). 2 submissions from 2 submitters: Likely benign (2). Last evaluated 2025-10-28.

Conditions:
KCNQ4-related disorder. Also called: KCNQ4-related condition.

Allele frequency attached by ClinVar (database versions not stated): gnomAD 0.00001; gnomAD exomes 0.00001 and 0.00005; ExAC 0.00007; 1000 Genomes Project 30x 0.00016; 1000 Genomes Project 0.00020.
gnomAD v4.1: 19 of 1,612,122 alleles (0.0012%); highest among the groups gnomAD compares: South Asian, 0.015%; no homozygotes.

Submissions (2):

PreventionGenetics, part of Exact Sciences
Classification: Likely benign for KCNQ4-related condition. Last evaluated: 2025-10-28. Review status: criteria provided, single submitter. Criteria: ACMG Guidelines, 2015. Collection method: clinical testing. Allele origin: germline.
Comment: This variant is classified as likely benign based on ACMG/AMP sequence variant interpretation guidelines (Richards et al. 2015 PMID: 25741868, with internal and published modifications).

Laboratory for Molecular Medicine, Mass General Brigham Personalized Medicine
Classification: Likely benign. Last evaluated: 2016-03-20. Review status: criteria provided, single submitter. Criteria: LMM Criteria. Collection method: clinical testing. Allele origin: germline. Observed: 1 variant allele.
Comment: c.315-9T>C in KCNQ4: This variant is not expected to have clinical significance because a C>T/T>C change at this position does not diverge from the splice conse nsus sequence and is therefore unlikely to impact splicing. It has been identifi ed in 8/15100 South Asian chromosomes by the Exome Aggregation Consortium (ExAC; dbSNP rs760725818).